The following is an entry in ClinVar:

NM_004304.5(ALK):c.1154+3A>G

Gene: ALK (ALK receptor tyrosine kinase; minus strand). Cytogenetic location: 2p23.2.
Variant type: single nucleotide variant.
Coding change: c.1154+3A>G on transcript NM_004304.5 (MANE Select); 3 bases into the intron after coding-DNA position 1154, A replaced by G.
Molecular consequence: intron variant.
Genome position (GRCh38, 1-based): chr2:29,531,912, T>C on the plus strand (A>G on the coding strand, the complement: ALK is on the minus strand). VCF-style: chr2-29531912-T-C. GRCh37 (hg19) VCF-style: chr2-29754778-T-C.
Identifiers: ClinVar variation 4676468 (VCV004676468.1).
Genomic context (GRCh38, chr2:29,531,912, plus strand): 5'-ATGTGTAACCAAAAGCCAAATCACCTGGTATAAAATCAATTTTGGACATGGAGAAGTACT[T>C]ACCCATGCTTCCCTGGAGTGGGCATCAGGAGGATCTCTCTTGCAGCCTCGTTGTGGGGCA-3'

ClinVar aggregate classification (germline): Uncertain significance (1 of 4 stars; one submission).

Conditions:
Hereditary cancer-predisposing syndrome. Also called: Neoplastic Syndromes, Hereditary; Tumor predisposition; Hereditary Cancer Syndrome; Hereditary neoplastic syndrome. Identifiers: Orphanet 140162, MedGen C0027672, MeSH D009386, MONDO:0015356.

Submission:

Ambry Genetics
Classification: Uncertain significance for Hereditary cancer-predisposing syndrome. Last evaluated: 2025-10-23. Review status: criteria provided, single submitter. Criteria: Ambry Variant Classification Scheme 2023. Collection method: clinical testing. Allele origin: germline.
Comment: The c.1154+3A>G intronic variant results from an A to G substitution 3 nucleotides after coding exon 4 in the ALK gene. This nucleotide position is well conserved in available vertebrate species. In silico splice site analysis predicts that this alteration will not have any significant effect on splicing. Based on the available evidence, the clinical significance of this variant remains unclear.